The following is an entry in ClinVar:

NM_022168.4(IFIH1):c.2560A>T (p.Met854Leu)

Gene: IFIH1 (interferon induced with helicase C domain 1; minus strand). Cytogenetic location: 2q24.2.
Variant type: single nucleotide variant.
Coding change: c.2560A>T on transcript NM_022168.4 (MANE Select); coding-DNA position 2560, A replaced by T.
Protein change: p.Met854Leu; replaces methionine 854 with leucine.
Molecular consequence: missense variant.
Genome position (GRCh38, 1-based): chr2:162,272,282, T>A on the plus strand (A>T on the coding strand, the complement: IFIH1 is on the minus strand). VCF-style: chr2-162272282-T-A. GRCh37 (hg19) VCF-style: chr2-163128792-T-A.
Other names: short protein forms M854L.
Identifiers: ClinVar variation 2941758 (VCV002941758.3), dbSNP rs2468952376, ClinGen allele CA348994091.

ClinVar aggregate classification (germline): Uncertain significance (1 of 4 stars; one submission).

Conditions:
Aicardi-Goutieres syndrome 7 (AGS7). Identifiers: Orphanet 51, MedGen C3888244, MONDO:0014367, OMIM 615846.
Singleton-Merten syndrome 1 (SGMRT1). Also called: Widened medullary cavities of bone, aortic calcification, abnormal dentition, and muscular weakness; Syndrome of widened medullary cavities of the metacarpals and phalanges, aortic calcification and abnormal dentition. Identifiers: Orphanet 85191, MedGen C4225427, MONDO:0024535, OMIM 182250.

Submission:

Labcorp Genetics (formerly Invitae), Labcorp
Classification: Uncertain significance for Aicardi-Goutieres syndrome 7; Singleton-Merten syndrome 1. Last evaluated: 2022-11-23. Review status: criteria provided, single submitter. Criteria: Invitae Variant Classification Sherloc (09022015). Collection method: clinical testing. Allele origin: germline.
Comment: This sequence change replaces methionine, which is neutral and non-polar, with leucine, which is neutral and non-polar, at codon 854 of the IFIH1 protein (p.Met854Leu). This variant is not present in population databases (gnomAD no frequency). This variant has not been reported in the literature in individuals affected with IFIH1-related conditions. Advanced modeling of protein sequence and biophysical properties (such as structural, functional, and spatial information, amino acid conservation, physicochemical variation, residue mobility, and thermodynamic stability) has been performed at Invitae for this missense variant, however the output from this modeling did not meet the statistical confidence thresholds required to predict the impact of this variant on IFIH1 protein function. This variant disrupts the p.Met854 amino acid residue in IFIH1. Other variant(s) that disrupt this residue have been determined to be pathogenic (PMID: 29270977). This suggests that this residue is clinically significant, and that variants that disrupt this residue are likely to be disease-causing. In summary, the available evidence is currently insufficient to determine the role of this variant in disease. Therefore, it has been classified as a Variant of Uncertain Significance.

Literature cited by the submitters: PubMed 29270977.